The following is an entry in ClinVar:

NM_000321.3(RB1):c.2122A>G (p.Met708Val)

Gene: RB1 (RB transcriptional corepressor 1; plus strand). Cytogenetic location: 13q14.2.
Variant type: single nucleotide variant.
Coding change: c.2122A>G on transcript NM_000321.3 (MANE Select); coding-DNA position 2122, A replaced by G.
Protein change: p.Met708Val; replaces methionine 708 with valine.
Molecular consequence: missense variant.
Genome position (GRCh38, 1-based): chr13:48,463,746, A>G. VCF-style: chr13-48463746-A-G. GRCh37 (hg19) VCF-style: chr13-49037882-A-G.
Other names: c.2122A>G, p.Met708Val (NM_001407165.1); short protein forms M708V.
Identifiers: ClinVar variation 1786263 (VCV001786263.6), dbSNP rs2138342278, ClinGen allele CA388167033.

ClinVar aggregate classification (germline): Uncertain significance. Review status: criteria provided, multiple submitters, no conflicts (2 of 4 stars). 2 submissions from 2 submitters: Uncertain significance (2). Last evaluated 2026-07-27.

Conditions:
Hereditary cancer-predisposing syndrome. Also called: Hereditary Cancer Syndrome; Hereditary neoplastic syndrome; Neoplastic Syndromes, Hereditary; Tumor predisposition. Identifiers: Orphanet 140162, MedGen C0027672, MeSH D009386, MONDO:0015356.
Retinoblastoma (RB1). Also called: RETINOBLASTOMA, SOMATIC. Identifiers: Orphanet 790, MedGen C0035335, MeSH D012175, MONDO:0008380, OMIM 180200, HP:0009919. Disease mechanism: loss of function. Inheritance: Both sporadic and heritable forms are tested..

Allele frequency attached by ClinVar (database versions not stated): gnomAD exomes below 0.00001.
gnomAD v4.1: 1 of 1,563,654 alleles (0.000064%); highest among the groups gnomAD compares: Non-Finnish European, 0.000088%; no homozygotes.

Submissions (2):

Ambry Genetics
Classification: Uncertain significance for Hereditary cancer-predisposing syndrome. Last evaluated: 2026-07-27. Review status: criteria provided, single submitter. Criteria: Ambry Variant Classification Scheme 2023. Collection method: clinical testing. Allele origin: germline.
Comment: The p.M708V variant (also known as c.2122A>G), located in coding exon 21 of the RB1 gene, results from an A to G substitution at nucleotide position 2122. The methionine at codon 708 is replaced by valine, an amino acid with highly similar properties. This amino acid position is highly conserved in available vertebrate species. In addition, this alteration is predicted to be deleterious by in silico analysis. Based on the available evidence, the clinical significance of this variant remains unclear.

Labcorp Genetics (formerly Invitae), Labcorp
Classification: Uncertain significance for Retinoblastoma. Last evaluated: 2024-01-19. Review status: criteria provided, single submitter. Criteria: Invitae Variant Classification Sherloc (09022015). Collection method: clinical testing. Allele origin: germline.
Comment: This sequence change replaces methionine, which is neutral and non-polar, with valine, which is neutral and non-polar, at codon 708 of the RB1 protein (p.Met708Val). This variant is not present in population databases (gnomAD no frequency). This variant has not been reported in the literature in individuals affected with RB1-related conditions. ClinVar contains an entry for this variant (Variation ID: 1786263). Advanced modeling of protein sequence and biophysical properties (such as structural, functional, and spatial information, amino acid conservation, physicochemical variation, residue mobility, and thermodynamic stability) performed at Invitae indicates that this missense variant is not expected to disrupt RB1 protein function with a negative predictive value of 80%. In summary, the available evidence is currently insufficient to determine the role of this variant in disease. Therefore, it has been classified as a Variant of Uncertain Significance.